The following is an entry in ClinVar:

ClinVar aggregate classification (germline): Uncertain significance (1 of 4 stars; one submission).

Allele frequency attached by ClinVar (database versions not stated): TOPMed below 0.00001.

Submission:

Labcorp Genetics (formerly Invitae), Labcorp
Classification: Uncertain significance. Last evaluated: 2022-10-08. Review status: criteria provided, single submitter. Criteria: Invitae Variant Classification Sherloc (09022015). Collection method: clinical testing. Allele origin: germline.
Comment: In summary, the available evidence is currently insufficient to determine the role of this variant in disease. Therefore, it has been classified as a Variant of Uncertain Significance. Advanced modeling of protein sequence and biophysical properties (such as structural, functional, and spatial information, amino acid conservation, physicochemical variation, residue mobility, and thermodynamic stability) performed at Invitae indicates that this missense variant is not expected to disrupt KLHL9 protein function. This variant has not been reported in the literature in individuals affected with KLHL9-related conditions. This variant is not present in population databases (gnomAD no frequency). This sequence change replaces proline, which is neutral and non-polar, with alanine, which is neutral and non-polar, at codon 374 of the KLHL9 protein (p.Pro374Ala).

NM_018847.4(KLHL9):c.1120C>G (p.Pro374Ala)

Gene: KLHL9 (kelch like family member 9; minus strand). Cytogenetic location: 9p21.3.
Variant type: single nucleotide variant.
Coding change: c.1120C>G on transcript NM_018847.4 (MANE Select); coding-DNA position 1120, C replaced by G.
Protein change: p.Pro374Ala; replaces proline 374 with alanine.
Molecular consequence: missense variant.
Genome position (GRCh38, 1-based): chr9:21,333,740, G>C on the plus strand (C>G on the coding strand, the complement: KLHL9 is on the minus strand). VCF-style: chr9-21333740-G-C. GRCh37 (hg19) VCF-style: chr9-21333739-G-C.
Other names: short protein forms P374A.
Identifiers: ClinVar variation 2034721 (VCV002034721.4), dbSNP rs1417924636, ClinGen allele CA373069939.